The following is an entry in ClinVar:

ClinVar aggregate classification (germline): Pathogenic (1 of 4 stars; one submission).

Conditions:
Epidermolysis bullosa simplex 3, localized or generalized intermediate, with BP230 deficiency (EBS3). Also called: Epidermolysis bullosa simplex due to BP230 deficiency; Epidermolysis bullosa simplex, autosomal recessive 2. Identifiers: Orphanet 412181, MedGen C3809470, MONDO:0014180, OMIM 615425.
Hereditary sensory and autonomic neuropathy type 6. Also called: Neuropathy, hereditary sensory and autonomic, type VI; HSAN VI. Identifiers: Orphanet 314381, MedGen C3539003, MONDO:0013839, OMIM 614653.

Submission:

Labcorp Genetics (formerly Invitae), Labcorp
Classification: Pathogenic for Epidermolysis bullosa simplex 3, localized or generalized intermediate, with BP230 deficiency; Hereditary sensory and autonomic neuropathy type 6. Last evaluated: 2019-02-19. Review status: criteria provided, single submitter. Criteria: Invitae Variant Classification Sherloc (09022015). Collection method: clinical testing. Allele origin: germline.
Comment: Loss-of-function variants in DST are known to be pathogenic (PMID: 25059916). For these reasons, this variant has been classified as Pathogenic. This sequence change creates a premature translational stop signal (p.Trp2116*) in the DST gene. It is expected to result in an absent or disrupted protein product. The DST gene has multiple clinically relevant transcripts. The p.Trp2116* variant occurs in alternate transcript NM_015548.4, which corresponds to c.*54116G>A in NM_001723.5, the primary transcript listed in the Methods. This variant is not present in population databases (ExAC no frequency). This variant has not been reported in the literature in individuals with DST-related conditions.

Literature cited by the submitters: PubMed 25059916.

NM_001374736.1(DST):c.14217G>A (p.Trp4739Ter)

Genes: DST (dystonin; minus strand), LOC129389544 (MPRA-validated peak5860 silencer; plus strand). Cytogenetic location: 6p12.1.
Variant type: single nucleotide variant.
Coding change: c.14217G>A on transcript NM_001374736.1 (MANE Select); coding-DNA position 14217, G replaced by A.
Protein change: p.Trp4739Ter; replaces tryptophan 4739 with a stop codon.
Molecular consequence: nonsense.
Genome position (GRCh38, 1-based): chr6:56,561,401, C>T on the plus strand (G>A on the coding strand, the complement: DST is on the minus strand). VCF-style: chr6-56561401-C-T. GRCh37 (hg19) VCF-style: chr6-56426199-C-T.
Other names: c.7860G>A, p.Trp2620Ter (NM_001144769.5); c.7446G>A, p.Trp2482Ter (NM_001144770.2); c.14217G>A, p.Trp4739Ter (NM_001374722.1); c.13584G>A, p.Trp4528Ter (NM_001374729.1); c.7326G>A, p.Trp2442Ter (NM_001374730.1, NM_183380.4); c.14244G>A, p.Trp4748Ter (NM_001374734.1); c.6348G>A, p.Trp2116Ter (NM_015548.5); short protein forms W2116*, W2482*, W2442*, W4528*, W4739*, W2620*, W4748*.
Identifiers: ClinVar variation 972336 (VCV000972336.8), dbSNP rs2097534211, ClinGen allele CA364522563.